The following is an entry in ClinVar:

ClinVar aggregate classification (germline): Likely benign (0 of 4 stars; one submission).

Conditions:
CDH2-related disorder. Also called: CDH2-related condition.

Submission:

PreventionGenetics, part of Exact Sciences
Classification: Likely benign for CDH2-related condition. Last evaluated: 2023-05-30. Review status: no assertion criteria provided. Collection method: clinical testing. Allele origin: germline.
Comment: This variant is classified as likely benign based on ACMG/AMP sequence variant interpretation guidelines (Richards et al. 2015 PMID: 25741868, with internal and published modifications).

NM_001792.5(CDH2):c.1446A>C (p.Ala482=)

Gene: CDH2 (cadherin 2; minus strand). Cytogenetic location: 18q12.1.
Variant type: single nucleotide variant.
Coding change: c.1446A>C on transcript NM_001792.5 (MANE Select); coding-DNA position 1446, A replaced by C.
Protein change: p.Ala482=; no amino-acid change (alanine 482 retained).
Molecular consequence: synonymous variant.
Genome position (GRCh38, 1-based): chr18:27,990,249, T>G on the plus strand (A>C on the coding strand, the complement: CDH2 is on the minus strand). VCF-style: chr18-27990249-T-G. GRCh37 (hg19) VCF-style: chr18-25570213-T-G.
Other names: c.1353A>C, p.Ala451= (NM_001308176.2).
Identifiers: ClinVar variation 3035069 (VCV003035069.2), dbSNP rs2510797021, ClinGen allele CA503527221.
Genomic context (GRCh38, chr18:27,990,249, plus strand): 5'-CTTAGGATTGGGGGCAAAATAAGGGTTTTCATTTACGTCAATAACTGTAACAGACACGGT[T>G]GCAGTTGACTGAGGGGGGTGCTGAATTCCCTTGGCTAATGGCACTTGATTTTCTGCAGCA-3'
Protein context (NP_001783.2, residues 472-492): KGIQHPPQST[Ala482=]TVSVTVIDVN